The following is an entry in ClinVar:

NM_206933.4(USH2A):c.1579T>G (p.Cys527Gly)

Gene: USH2A (usherin; minus strand). Cytogenetic location: 1q41.
Variant type: single nucleotide variant.
Coding change: c.1579T>G on transcript NM_206933.4 (MANE Select); coding-DNA position 1579, T replaced by G.
Protein change: p.Cys527Gly; replaces cysteine 527 with glycine.
Molecular consequence: missense variant.
Genome position (GRCh38, 1-based): chr1:216,321,948, A>C on the plus strand (T>G on the coding strand, the complement: USH2A is on the minus strand). VCF-style: chr1-216321948-A-C. GRCh37 (hg19) VCF-style: chr1-216495290-A-C.
Other names: c.1579T>G, p.Cys527Gly (NM_007123.6); short protein forms C527G.
Identifiers: ClinVar variation 1004898 (VCV001004898.8), dbSNP rs1207157360, ClinGen allele CA344907972.

ClinVar aggregate classification (germline): Uncertain significance (1 of 4 stars; one submission).

Submission:

Labcorp Genetics (formerly Invitae), Labcorp
Classification: Uncertain significance. Last evaluated: 2020-07-27. Review status: criteria provided, single submitter. Criteria: Invitae Variant Classification Sherloc (09022015). Collection method: clinical testing. Allele origin: germline.
Comment: In summary, the available evidence is currently insufficient to determine the role of this variant in disease. Therefore, it has been classified as a Variant of Uncertain Significance. Algorithms developed to predict the effect of missense changes on protein structure and function are either unavailable or do not agree on the potential impact of this missense change (SIFT: "Deleterious"; PolyPhen-2: "Probably Damaging"; Align-GVGD: "Class C0"). This sequence change replaces cysteine with glycine at codon 527 of the USH2A protein (p.Cys527Gly). The cysteine residue is highly conserved and there is a large physicochemical difference between cysteine and glycine. This variant is not present in population databases (ExAC no frequency). This variant has been observed in individual(s) with Usher syndrome (Invitae).